The following is an entry in ClinVar:

ClinVar aggregate classification (germline): Uncertain significance (1 of 4 stars; one submission).

Submission:

Labcorp Genetics (formerly Invitae), Labcorp
Classification: Uncertain significance. Last evaluated: 2025-11-01. Review status: criteria provided, single submitter. Criteria: Invitae Variant Classification Sherloc (09022015). Collection method: clinical testing. Allele origin: germline.
Comment: This sequence change replaces glutamine, which is neutral and polar, with histidine, which is basic and polar, at codon 792 of the CDH2 protein (p.Gln792His). This variant is not present in population databases (gnomAD no frequency). This variant has not been reported in the literature in individuals affected with CDH2-related conditions. ClinVar contains an entry for this variant (Variation ID: 1431857). An algorithm developed to predict the effect of missense changes on protein structure and function (PolyPhen-2) suggests that this variant is likely to be disruptive. In summary, the available evidence is currently insufficient to determine the role of this variant in disease. Therefore, it has been classified as a Variant of Uncertain Significance.

NM_001792.5(CDH2):c.2376G>T (p.Gln792His)

Genes: CDH2 (cadherin 2; minus strand), CDH2-AS1 (CDH2 antisense RNA 1; plus strand). Cytogenetic location: 18q12.1.
Variant type: single nucleotide variant.
Coding change: c.2376G>T on transcript NM_001792.5 (MANE Select); coding-DNA position 2376, G replaced by T.
Protein change: p.Gln792His; replaces glutamine 792 with histidine.
Molecular consequence: missense variant.
Genome position (GRCh38, 1-based): chr18:27,963,495, C>A on the plus strand (G>T on the coding strand, the complement: CDH2 is on the minus strand). VCF-style: chr18-27963495-C-A. GRCh37 (hg19) VCF-style: chr18-25543459-C-A.
Other names: c.2283G>T, p.Gln761His (NM_001308176.2); short protein forms Q792H, Q761H.
Identifiers: ClinVar variation 1431857 (VCV001431857.6), dbSNP rs2143888523, ClinGen allele CA402104328.